The following is an entry in ClinVar:

NM_006206.6(PDGFRA):c.2157-4del

Gene: PDGFRA (platelet derived growth factor receptor alpha; plus strand). Cytogenetic location: 4q12.
Variant type: Deletion.
Coding change: c.2157-4del on transcript NM_006206.6 (MANE Select); 4 bases into the intron before coding-DNA position 2157, one base deleted (A; older notation c.2157-4delA).
Molecular consequence: intron variant.
Genome position (GRCh38, 1-based): chr4:54,280,312, A deleted. VCF-style (leftmost placement, unchanged base first): chr4-54280311-TA-T. GRCh37 (hg19) VCF-style: chr4-55146478-TA-T.
Other names: c.2157-4del (NM_006206.4, NM_001347827.2, NM_001347829.2); c.2232-4del (NM_001347828.2); c.2196-4del (NM_001347830.2).
Identifiers: ClinVar variation 414521 (VCV000414521.14), dbSNP rs1060504256, ClinGen allele CA16611469.
Genomic context (GRCh38, chr4:54,280,311, plus strand): 5'-ACTGAAAGTGGAATGACCACTTCAGAAGGGCACCCTGGGTAAGATTTCTCTTTCTGTTTT[TA>T]CAGCTATGTTATTTTATCTTTTGAAAACAATGGTGACTACATGGACATGAAGCAGGCTGA-3'

ClinVar aggregate classification (germline): Likely benign. Review status: criteria provided, multiple submitters, no conflicts (2 of 4 stars). 3 submissions from 3 submitters: Likely benign (3). Last evaluated 2026-06-15.

Conditions:
Hereditary cancer-predisposing syndrome. Also called: Neoplastic Syndromes, Hereditary; Hereditary Cancer Syndrome; Hereditary neoplastic syndrome; Tumor predisposition. Identifiers: Orphanet 140162, MedGen C0027672, MeSH D009386, MONDO:0015356.
Gastrointestinal stromal tumor. Also called: Gastrointestinal stroma tumor; Gastrointestinal stromal tumor, somatic. Identifiers: Orphanet 44890, MedGen C0238198, MeSH D046152, MONDO:0011719, OMIM 606764, HP:0100723.
Polyps, multiple and recurrent inflammatory fibroid, gastrointestinal. Identifiers: MedGen C5193005, MONDO:0008285, OMIM 175510.

Allele frequency attached by ClinVar (database versions not stated): gnomAD 0.00001; gnomAD exomes 0.00001; TOPMed 0.00001.

Submissions (3):

Myriad Genetics, Inc.
Classification: Likely benign for Polyps, multiple and recurrent inflammatory fibroid, gastrointestinal. Last evaluated: 2026-06-15. Review status: criteria provided, single submitter. Criteria: Myriad Autosomal Dominant, Autosomal Recessive and X-Linked Classification Criteria (2023). Collection method: clinical testing. Allele origin: unknown.
Comment: This variant is considered likely benign. This variant is intronic and is not expected to impact mRNA splicing.

Labcorp Genetics (formerly Invitae), Labcorp
Classification: Likely benign for Gastrointestinal stromal tumor. Last evaluated: 2025-11-01. Review status: criteria provided, single submitter. Criteria: Invitae Variant Classification Sherloc (09022015). Collection method: clinical testing. Allele origin: germline.

Ambry Genetics
Classification: Likely benign for Hereditary cancer-predisposing syndrome. Last evaluated: 2025-07-09. Review status: criteria provided, single submitter. Criteria: Ambry Variant Classification Scheme 2023. Collection method: clinical testing. Allele origin: germline.